The following is an entry in ClinVar:

NM_201384.3(PLEC):c.3816G>A (p.Ala1272=)

Gene: PLEC (plectin; minus strand). Cytogenetic location: 8q24.3.
Variant type: single nucleotide variant.
Coding change: c.3816G>A on transcript NM_201384.3 (MANE Select); coding-DNA position 3816, G replaced by A.
Protein change: p.Ala1272=; no amino-acid change (alanine 1272 retained).
Molecular consequence: synonymous variant.
Genome position (GRCh38, 1-based): chr8:143,927,276, C>T on the plus strand (G>A on the coding strand, the complement: PLEC is on the minus strand). VCF-style: chr8-143927276-C-T. GRCh37 (hg19) VCF-style: chr8-145001444-C-T.
Other names: c.3897G>A, p.Ala1299= (NM_000445.5); c.3774G>A, p.Ala1258= (NM_201378.4); c.3750G>A, p.Ala1250= (NM_201379.3); c.4227G>A, p.Ala1409= (NM_201380.4); c.3720G>A, p.Ala1240= (NM_201381.3); c.3816G>A, p.Ala1272= (NM_201382.4); c.3828G>A, p.Ala1276= (NM_201383.3).
Identifiers: ClinVar variation 539017 (VCV000539017.10), dbSNP rs776436826, ClinGen allele CA4926920.

ClinVar aggregate classification (germline): Likely benign. Review status: criteria provided, multiple submitters, no conflicts (2 of 4 stars). 2 submissions from 2 submitters: Likely benign (2). Last evaluated 2026-05-01.

Conditions:
Epidermolysis bullosa simplex 5B, with muscular dystrophy (EBS5B). Also called: EPIDERMOLYSIS BULLOSA SIMPLEX AND LIMB-GIRDLE MUSCULAR DYSTROPHY; Epidermolysis bullosa simplex with muscular dystrophy. Identifiers: Orphanet 257, MedGen C2931072, MONDO:0009181, OMIM 226670.
Epidermolysis bullosa simplex, Ogna type (EBS5A). Also called: Pidermolysis bullosa simplex 5A, Ogna type; EPIDERMOLYSIS BULLOSA SIMPLEX 5A, OGNA TYPE. Identifiers: Orphanet 79401, MedGen C0432317, MONDO:0007555, OMIM 131950.
Epidermolysis bullosa simplex 5C, with pyloric atresia (EBS5C). Also called: PLEC1-Related Epidermolysis Bullosa with Pyloric Atresia; PLEC-Related Epidermolysis Bullosa with Pyloric Atresia; Epidermolysis bullosa simplex with pyloric atresia. Identifiers: Orphanet 158684, MedGen C2677349, MONDO:0012807, OMIM 612138.
Epidermolysis bullosa simplex with nail dystrophy (EBS5D). Identifiers: MedGen C4225309, MONDO:0014661, OMIM 616487.
Autosomal recessive limb-girdle muscular dystrophy type 2Q (LGMDR17). Also called: MUSCULAR DYSTROPHY, LIMB-GIRDLE, AUTOSOMAL RECESSIVE 17. Identifiers: Orphanet 254361, MedGen C3150989, MONDO:0013390, OMIM 613723.

Allele frequency attached by ClinVar (database versions not stated): ExAC 0.00001; gnomAD exomes 0.00001; gnomAD 0.00002; TOPMed 0.00002.

Submissions (2):

CeGaT Center for Human Genetics Tuebingen
Classification: Likely benign. Last evaluated: 2026-05-01. Review status: criteria provided, single submitter. Criteria: CeGaT Center For Human Genetics Tuebingen Variant Classification Criteria Version 2. Collection method: clinical testing. Allele origin: germline. Affected: yes. Observed: 1 variant allele.
Comment: PLEC: BP4, BP7

Labcorp Genetics (formerly Invitae), Labcorp
Classification: Likely benign for Autosomal recessive limb-girdle muscular dystrophy type 2Q; Epidermolysis bullosa simplex, Ogna type; Epidermolysis bullosa simplex with nail dystrophy; Epidermolysis bullosa simplex 5C, with pyloric atresia; Epidermolysis bullosa simplex 5B, with muscular dystrophy. Last evaluated: 2024-07-24. Review status: criteria provided, single submitter. Criteria: Invitae Variant Classification Sherloc (09022015). Collection method: clinical testing. Allele origin: germline.